The following is an entry in ClinVar:

NM_001082486.2(ACD):c.1147C>G (p.Arg383Gly)

Gene: ACD (ACD shelterin complex subunit and telomerase recruitment factor; minus strand). Cytogenetic location: 16q22.1.
Variant type: single nucleotide variant.
Coding change: c.1147C>G on transcript NM_001082486.2 (MANE Select); coding-DNA position 1147, C replaced by G.
Protein change: p.Arg383Gly; replaces arginine 383 with glycine.
Molecular consequence: missense variant.
Genome position (GRCh38, 1-based): chr16:67,658,045, G>C on the plus strand (C>G on the coding strand, the complement: ACD is on the minus strand). VCF-style: chr16-67658045-G-C. GRCh37 (hg19) VCF-style: chr16-67691948-G-C.
Other names: c.1060C>G, p.Arg354Gly (NM_001410884.1); c.1138C>G, p.Arg380Gly (NM_022914.3); short protein forms R380G, R383G, R354G.
Identifiers: ClinVar variation 1771885 (VCV001771885.2), dbSNP rs747913250, ClinGen allele CA396351862.
Genomic context (GRCh38, chr16:67,658,045, plus strand): 5'-CCCAGACAGAGCAGGGCTCCTGGGCTCCCCTGGTAGCTCCGGTCCTGGGAAAAGGCGGCC[G>C]ATTCTTGCAGGGCAACCCTACAAACTCCTTGAACTCCAGGCTAGGTTTCTGGGGCCTGGT-3'
Protein context (NP_001075955.2, residues 373-393): KEFVGLPCKN[Arg383Gly]PPFPRTGATR

ClinVar aggregate classification (germline): Uncertain significance (1 of 4 stars; one submission).

Conditions:
Inborn genetic diseases. Identifiers: MedGen C0950123, MeSH D030342.

Submission:

Ambry Genetics
Classification: Uncertain significance for Inborn genetic diseases. Last evaluated: 2022-04-21. Review status: criteria provided, single submitter. Criteria: Ambry Variant Classification Scheme 2023. Collection method: clinical testing. Allele origin: germline.
Comment: The p.R469G variant (also known as c.1405C>G), located in coding exon 10 of the ACD gene, results from a C to G substitution at nucleotide position 1405. The arginine at codon 469 is replaced by glycine, an amino acid with dissimilar properties. This amino acid position is conserved. In addition, this alteration is predicted to be tolerated by in silico analysis. Since supporting evidence is limited at this time, the clinical significance of this alteration remains unclear.